The following is an entry in ClinVar:

NM_004370.6(COL12A1):c.7740A>G (p.Ile2580Met)

Gene: COL12A1 (collagen type XII alpha 1 chain; minus strand). Cytogenetic location: 6q13.
Variant type: single nucleotide variant.
Coding change: c.7740A>G on transcript NM_004370.6 (MANE Select); coding-DNA position 7740, A replaced by G.
Protein change: p.Ile2580Met; replaces isoleucine 2580 with methionine.
Molecular consequence: missense variant.
Genome position (GRCh38, 1-based): chr6:75,113,702, T>C on the plus strand (A>G on the coding strand, the complement: COL12A1 is on the minus strand). VCF-style: chr6-75113702-T-C. GRCh37 (hg19) VCF-style: chr6-75823418-T-C.
Other names: c.4248A>G, p.Ile1416Met (NM_080645.3); short protein forms I1416M, I2580M.
Identifiers: ClinVar variation 1977380 (VCV001977380.5), dbSNP rs1167300247, ClinGen allele CA364744410.

ClinVar aggregate classification (germline): Uncertain significance (1 of 4 stars; one submission).

Conditions:
Ullrich congenital muscular dystrophy 2 (UCMD2). Identifiers: Orphanet 75840, MedGen C4225314, MONDO:0014654, OMIM 616470.
Bethlem myopathy 2 (BTHLM2). Identifiers: Orphanet 536516, Orphanet 610, MedGen C4225313, MONDO:0034022, OMIM 616471.

Allele frequency attached by ClinVar (database versions not stated): gnomAD 0.00001; gnomAD exomes 0.00001.
gnomAD v4.1: 5 of 1,604,672 alleles (0.00031%); highest among the groups gnomAD compares: Admixed American, 0.0033%; no homozygotes.

Submission:

Labcorp Genetics (formerly Invitae), Labcorp
Classification: Uncertain significance for Bethlem myopathy 2; Ullrich congenital muscular dystrophy 2. Last evaluated: 2022-03-31. Review status: criteria provided, single submitter. Criteria: Invitae Variant Classification Sherloc (09022015). Collection method: clinical testing. Allele origin: germline.
Comment: In summary, the available evidence is currently insufficient to determine the role of this variant in disease. Therefore, it has been classified as a Variant of Uncertain Significance. Algorithms developed to predict the effect of missense changes on protein structure and function are either unavailable or do not agree on the potential impact of this missense change (SIFT: "Deleterious"; PolyPhen-2: "Probably Damaging"; Align-GVGD: "Class C0"). This variant has not been reported in the literature in individuals affected with COL12A1-related conditions. This variant is present in population databases (no rsID available, gnomAD 0.006%). This sequence change replaces isoleucine, which is neutral and non-polar, with methionine, which is neutral and non-polar, at codon 2580 of the COL12A1 protein (p.Ile2580Met).